The following is an entry in ClinVar:

NM_001378328.1(CELSR1):c.6628G>A (p.Glu2210Lys)

Genes: CELSR1 (cadherin EGF LAG seven-pass G-type receptor 1; minus strand), LOC126863169 (BRD4-independent group 4 enhancer GRCh37_chr22:46782038-46783237; plus strand). Cytogenetic location: 22q13.31.
Variant type: single nucleotide variant.
Coding change: c.6628G>A on transcript NM_001378328.1 (MANE Select); coding-DNA position 6628, G replaced by A.
Protein change: p.Glu2210Lys; replaces glutamic acid 2210 with lysine.
Molecular consequence: missense variant.
Genome position (GRCh38, 1-based): chr22:46,386,513, C>T on the plus strand (G>A on the coding strand, the complement: CELSR1 is on the minus strand). VCF-style: chr22-46386513-C-T. GRCh37 (hg19) VCF-style: chr22-46782410-C-T.
Other names: c.6628G>A, p.Glu2210Lys (NM_014246.4); short protein forms E2210K.
Identifiers: ClinVar variation 3362185 (VCV003362185.1).
Genomic context (GRCh38, chr22:46,386,513, plus strand): 5'-TGCGTGCCACGTTGCTGAAGTAGCCCTCGAGGCGCCGGAGCAGCTGTGCCGTGCCGCCCT[C>T]GCTCCGCTGGATCTGCTCCCACGCCGCCCTGGTGGCTGGGGCCAGGAGGGCGCTGCCCGA-3'
Protein context (NP_001365257.1, residues 2200-2220): RAAWEQIQRS[Glu2210Lys]GGTAQLLRRL

ClinVar aggregate classification (germline): Uncertain significance (1 of 4 stars; one submission).

gnomAD v4.1: 25 of 1,597,372 alleles (0.0016%); highest among the groups gnomAD compares: South Asian, 0.0023%; no homozygotes.

Submission:

GeneDx
Classification: Uncertain significance. Last evaluated: 2023-06-01. Review status: criteria provided, single submitter. Criteria: GeneDx Variant Classification Process June 2021. Collection method: clinical testing. Allele origin: germline. Affected: yes.
Comment: In silico analysis supports that this missense variant has a deleterious effect on protein structure/function; Has not been previously published as pathogenic or benign to our knowledge